The following is an entry in ClinVar:

NM_020207.7(ERCC6L2):c.3724G>A (p.Glu1242Lys)

Gene: ERCC6L2 (ERCC excision repair 6 like 2; plus strand). Cytogenetic location: 9q22.32.
Variant type: single nucleotide variant.
Coding change: c.3724G>A on transcript NM_020207.7 (MANE Select); coding-DNA position 3724, G replaced by A.
Protein change: p.Glu1242Lys; replaces glutamic acid 1242 with lysine.
Molecular consequence: missense variant. On other transcripts: non-coding transcript variant (1), intron variant (2).
Genome position (GRCh38, 1-based): chr9:96,012,274, G>A. VCF-style: chr9-96012274-G-A. GRCh37 (hg19) VCF-style: chr9-98774556-G-A.
Other names: c.3674+7573G>A (NM_001375291.1, NM_001375292.1); short protein forms E1242K.
Identifiers: ClinVar variation 1473452 (VCV001473452.6), dbSNP rs772603943, ClinGen allele CA5139986.

ClinVar aggregate classification (germline): Uncertain significance (1 of 4 stars; one submission).

Allele frequency attached by ClinVar (database versions not stated): gnomAD exomes 0.00001; ExAC 0.00002; gnomAD 0.00003 and 0.00004; TOPMed 0.00004.
gnomAD v4.1: 22 of 1,306,222 alleles (0.0017%); highest among the groups gnomAD compares: African/African-American, 0.0061%; no homozygotes.

Submission:

Labcorp Genetics (formerly Invitae), Labcorp
Classification: Uncertain significance. Last evaluated: 2022-01-17. Review status: criteria provided, single submitter. Criteria: Invitae Variant Classification Sherloc (09022015). Collection method: clinical testing. Allele origin: germline.
Comment: In summary, the available evidence is currently insufficient to determine the role of this variant in disease. Therefore, it has been classified as a Variant of Uncertain Significance. Algorithms developed to predict the effect of missense changes on protein structure and function are either unavailable or do not agree on the potential impact of this missense change (SIFT: "Tolerated"; PolyPhen-2: "Not Available"; Align-GVGD: "Class C0"). This variant has not been reported in the literature in individuals affected with ERCC6L2-related conditions. This variant is present in population databases (rs772603943, gnomAD 0.009%). This sequence change replaces glutamic acid, which is acidic and polar, with lysine, which is basic and polar, at codon 1253 of the ERCC6L2 protein (p.Glu1253Lys).